The following is an entry in ClinVar:

ClinVar aggregate classification (germline): Uncertain significance (1 of 4 stars; one submission).

Submission:

GeneDx
Classification: Uncertain significance. Last evaluated: 2025-04-26. Review status: criteria provided, single submitter. Criteria: GeneDx Variant Classification Process June 2021. Collection method: clinical testing. Allele origin: germline. Affected: yes.
Comment: In silico analysis supports that this missense variant has a deleterious effect on protein structure/function; Has not been previously published as pathogenic or benign to our knowledge; Not observed at significant frequency in large population cohorts (gnomAD)

NM_004369.4(COL6A3):c.2599A>C (p.Asn867His)

Gene: COL6A3 (collagen type VI alpha 3 chain; minus strand). Cytogenetic location: 2q37.3.
Variant type: single nucleotide variant.
Coding change: c.2599A>C on transcript NM_004369.4 (MANE Select); coding-DNA position 2599, A replaced by C.
Protein change: p.Asn867His; replaces asparagine 867 with histidine.
Molecular consequence: missense variant.
Genome position (GRCh38, 1-based): chr2:237,377,243, T>G on the plus strand (A>C on the coding strand, the complement: COL6A3 is on the minus strand). VCF-style: chr2-237377243-T-G. GRCh37 (hg19) VCF-style: chr2-238285886-T-G.
Other names: c.1378A>C, p.Asn460His (NM_057164.5); c.1981A>C, p.Asn661His (NM_057165.5, NM_057167.4); c.778A>C, p.Asn260His (NM_057166.5); short protein forms N260H, N460H, N661H, N867H.
Identifiers: ClinVar variation 4526936 (VCV004526936.1).